The following is an entry in ClinVar:

ClinVar aggregate classification (germline): Conflicting classifications of pathogenicity. Review status: criteria provided, conflicting classifications (1 of 4 stars). 5 submissions from 5 submitters: Uncertain significance (3); Likely benign (2). Last evaluated 2026-06-16.

Conditions:
Polyps, multiple and recurrent inflammatory fibroid, gastrointestinal. Identifiers: MedGen C5193005, MONDO:0008285, OMIM 175510.
Gastrointestinal stromal tumor. Also called: Gastrointestinal stroma tumor; Gastrointestinal stromal tumor, somatic. Identifiers: Orphanet 44890, MedGen C0238198, MeSH D046152, MONDO:0011719, OMIM 606764, HP:0100723.
Idiopathic hypereosinophilic syndrome (HES). Identifiers: Orphanet 3260, MedGen C0206141, MONDO:0011895, OMIM 607685. Disease mechanism: gain of function.
Hereditary cancer-predisposing syndrome. Also called: Neoplastic Syndromes, Hereditary; Hereditary Cancer Syndrome; Hereditary neoplastic syndrome; Tumor predisposition. Identifiers: Orphanet 140162, MedGen C0027672, MeSH D009386, MONDO:0015356.

Allele frequency attached by ClinVar (database versions not stated): TOPMed below 0.00001; ExAC 0.00001; gnomAD 0.00001; gnomAD exomes 0.00001 and 0.00002; ESP Exome Variant Server 0.00008.
gnomAD v4.1: 22 of 1,613,748 alleles (0.0014%); highest among the groups gnomAD compares: Middle Eastern, 0.049%; no homozygotes.

Submissions (5):

Myriad Genetics, Inc.
Classification: Likely benign for Polyps, multiple and recurrent inflammatory fibroid, gastrointestinal. Last evaluated: 2026-06-16. Review status: criteria provided, single submitter. Criteria: Myriad Autosomal Dominant, Autosomal Recessive and X-Linked Classification Criteria (2023). Collection method: clinical testing. Allele origin: unknown.
Comment: This variant is considered likely benign. This variant has been observed at a population frequency that is significantly greater than expected given the associated disease prevalence and penetrance.

Labcorp Genetics (formerly Invitae), Labcorp
Classification: Uncertain significance for Gastrointestinal stromal tumor. Last evaluated: 2025-12-20. Review status: criteria provided, single submitter. Criteria: Invitae Variant Classification Sherloc (09022015). Collection method: clinical testing. Allele origin: germline.
Comment: This sequence change replaces aspartic acid, which is acidic and polar, with glycine, which is neutral and non-polar, at codon 1069 of the PDGFRA protein (p.Asp1069Gly). This variant is present in population databases (rs372098007, gnomAD 0.006%). This variant has not been reported in the literature in individuals affected with PDGFRA-related conditions. ClinVar contains an entry for this variant (Variation ID: 407428). An algorithm developed to predict the effect of missense changes on protein structure and function (PolyPhen-2) suggests that this variant is likely to be disruptive. In summary, the available evidence is currently insufficient to determine the role of this variant in disease. Therefore, it has been classified as a Variant of Uncertain Significance.

Ambry Genetics
Classification: Likely benign for Hereditary cancer-predisposing syndrome. Last evaluated: 2024-08-20. Review status: criteria provided, single submitter. Criteria: Ambry Variant Classification Scheme 2023. Collection method: clinical testing. Allele origin: germline.

Fulgent Genetics
Classification: Uncertain significance for Polyps, multiple and recurrent inflammatory fibroid, gastrointestinal; Idiopathic hypereosinophilic syndrome. Last evaluated: 2024-02-28. Review status: criteria provided, single submitter. Criteria: ACMG Guidelines, 2015. Collection method: clinical testing. Allele origin: germline.

Baylor Genetics
Classification: Uncertain significance for Gastrointestinal stromal tumor. Last evaluated: 2020-05-05. Review status: criteria provided, single submitter. Criteria: ACMG Guidelines, 2015. Collection method: clinical testing. Allele origin: unknown. Affected: yes.
Comment: This variant was determined to be of uncertain significance according to ACMG Guidelines, 2015 [PMID:25741868].

NM_006206.6(PDGFRA):c.3206A>G (p.Asp1069Gly)

Gene: PDGFRA (platelet derived growth factor receptor alpha; plus strand). Cytogenetic location: 4q12.
Variant type: single nucleotide variant.
Coding change: c.3206A>G on transcript NM_006206.6 (MANE Select); coding-DNA position 3206, A replaced by G.
Protein change: p.Asp1069Gly; replaces aspartic acid 1069 with glycine.
Molecular consequence: missense variant.
Genome position (GRCh38, 1-based): chr4:54,295,208, A>G. VCF-style: chr4-54295208-A-G. GRCh37 (hg19) VCF-style: chr4-55161375-A-G.
Other names: c.3281A>G, p.Asp1094Gly (NM_001347828.2); c.3206A>G, p.Asp1069Gly (NM_001347829.2); c.3245A>G, p.Asp1082Gly (NM_001347830.2); short protein forms D1069G, D1082G, D1094G.
Identifiers: ClinVar variation 407428 (VCV000407428.15), dbSNP rs372098007, ClinGen allele CA2923057.